The following is an entry in ClinVar:

NM_000264.5(PTCH1):c.3298G>T (p.Val1100Phe)

Gene: PTCH1 (patched 1; minus strand). Cytogenetic location: 9q22.32.
Variant type: single nucleotide variant.
Coding change: c.3298G>T on transcript NM_000264.5 (MANE Select); coding-DNA position 3298, G replaced by T.
Protein change: p.Val1100Phe; replaces valine 1100 with phenylalanine.
Molecular consequence: missense variant. On other transcripts: non-coding transcript variant (1).
Genome position (GRCh38, 1-based): chr9:95,456,284, C>A on the plus strand (G>T on the coding strand, the complement: PTCH1 is on the minus strand). VCF-style: chr9-95456284-C-A. GRCh37 (hg19) VCF-style: chr9-98218566-C-A.
Other names: c.3100G>T, p.Val1034Phe (NM_001083602.3); c.3295G>T, p.Val1099Phe (NM_001083603.3); c.2845G>T, p.Val949Phe (NM_001083604.3, NM_001083605.3, NM_001083606.3 and 1 more transcripts); c.3142G>T, p.Val1048Phe (NM_001354918.2); short protein forms V1100F, V949F, V1048F, V1034F, V1099F.
Identifiers: ClinVar variation 1729907 (VCV001729907.4), dbSNP rs577110118, ClinGen allele CA374111965.

ClinVar aggregate classification (germline): Uncertain significance. Review status: criteria provided, multiple submitters, no conflicts (2 of 4 stars). 2 submissions from 2 submitters: Uncertain significance (2). Last evaluated 2024-06-30.

Conditions:
Hereditary cancer-predisposing syndrome. Also called: Neoplastic Syndromes, Hereditary; Tumor predisposition; Hereditary Cancer Syndrome; Hereditary neoplastic syndrome. Identifiers: Orphanet 140162, MedGen C0027672, MeSH D009386, MONDO:0015356.
Gorlin syndrome. Also called: Nevoid Basal Cell Carcinoma Syndrome; Basal cell nevus syndrome. Identifiers: Orphanet 377, MedGen C0004779, MONDO:0007187.

Submissions (2):

Labcorp Genetics (formerly Invitae), Labcorp
Classification: Uncertain significance for Gorlin syndrome. Last evaluated: 2024-06-30. Review status: criteria provided, single submitter. Criteria: Invitae Variant Classification Sherloc (09022015). Collection method: clinical testing. Allele origin: germline.
Comment: This sequence change replaces valine, which is neutral and non-polar, with phenylalanine, which is neutral and non-polar, at codon 1100 of the PTCH1 protein (p.Val1100Phe). This variant is not present in population databases (gnomAD no frequency). This variant has not been reported in the literature in individuals affected with PTCH1-related conditions. ClinVar contains an entry for this variant (Variation ID: 1729907). Advanced modeling of protein sequence and biophysical properties (such as structural, functional, and spatial information, amino acid conservation, physicochemical variation, residue mobility, and thermodynamic stability) performed at Invitae indicates that this missense variant is not expected to disrupt PTCH1 protein function with a negative predictive value of 95%. In summary, the available evidence is currently insufficient to determine the role of this variant in disease. Therefore, it has been classified as a Variant of Uncertain Significance.

Ambry Genetics
Classification: Uncertain significance for Hereditary cancer-predisposing syndrome. Last evaluated: 2021-12-08. Review status: criteria provided, single submitter. Criteria: Ambry Variant Classification Scheme 2023. Collection method: clinical testing. Allele origin: germline.
Comment: The p.V1100F variant (also known as c.3298G>T), located in coding exon 19 of the PTCH1 gene, results from a G to T substitution at nucleotide position 3298. The valine at codon 1100 is replaced by phenylalanine, an amino acid with highly similar properties. This amino acid position is well conserved in available vertebrate species. In addition, this alteration is predicted to be deleterious by in silico analysis. Since supporting evidence is limited at this time, the clinical significance of this alteration remains unclear.